The following is an entry in ClinVar:

ClinVar aggregate classification (germline): Conflicting classifications of pathogenicity. Review status: criteria provided, conflicting classifications (1 of 4 stars). 4 submissions from 4 submitters: Uncertain significance (2); Benign (1); Likely benign (1). Last evaluated 2026-02-24.

Conditions:
Familial cancer of breast. Also called: hereditary breast carcinoma; BREAST CANCER, FAMILIAL; Hereditary breast cancer. Identifiers: Orphanet 227535, MedGen C0346153, MONDO:0016419, OMIM 114480. Disease mechanism: loss of function.
Hereditary cancer-predisposing syndrome. Also called: Neoplastic Syndromes, Hereditary; Tumor predisposition; Hereditary Cancer Syndrome; Hereditary neoplastic syndrome. Identifiers: Orphanet 140162, MedGen C0027672, MeSH D009386, MONDO:0015356.

Submissions (4):

Ambry Genetics
Classification: Uncertain significance for Hereditary cancer-predisposing syndrome. Last evaluated: 2026-02-24. Review status: criteria provided, single submitter. Criteria: Ambry Variant Classification Scheme 2023. Collection method: clinical testing. Allele origin: germline.
Comment: The c.2595A>G variant (also known as p.S865S), located in coding exon 7 of the PALB2 gene, results from an A to G substitution at nucleotide position 2595. This nucleotide substitution does not change the serine at codon 865. This nucleotide position is not well conserved in available vertebrate species. In silico splice site analysis predicts that this alteration may result in the creation or strengthening of a novel splice acceptor site. Based on the available evidence, the clinical significance of this variant remains unclear.

Myriad Genetics, Inc.
Classification: Benign for Familial cancer of breast. Last evaluated: 2025-01-17. Review status: criteria provided, single submitter. Criteria: Myriad Autosomal Dominant, Autosomal Recessive and X-Linked Classification Criteria (2023). Collection method: clinical testing. Allele origin: unknown.
Comment: This variant is considered benign. This variant is a silent/synonymous amino acid change and it is not expected to impact splicing.

Molecular Pathology, Peter Maccallum Cancer Centre
Classification: Uncertain significance for Familial cancer of breast. Last evaluated: 2024-10-22. Review status: criteria provided, single submitter. Criteria: ACMG Guidelines, 2015. Collection method: clinical testing. Allele origin: germline. Inheritance: Autosomal dominant inheritance.

Labcorp Genetics (formerly Invitae), Labcorp
Classification: Likely benign for Familial cancer of breast. Last evaluated: 2024-03-17. Review status: criteria provided, single submitter. Criteria: Invitae Variant Classification Sherloc (09022015). Collection method: clinical testing. Allele origin: germline.

NM_024675.4(PALB2):c.2595A>G (p.Ser865=)

Gene: PALB2 (partner and localizer of BRCA2; minus strand). Cytogenetic location: 16p12.2.
Variant type: single nucleotide variant.
Coding change: c.2595A>G on transcript NM_024675.4 (MANE Select); coding-DNA position 2595, A replaced by G.
Protein change: p.Ser865=; no amino-acid change (serine 865 retained).
Molecular consequence: synonymous variant.
Genome position (GRCh38, 1-based): chr16:23,626,389, T>C on the plus strand (A>G on the coding strand, the complement: PALB2 is on the minus strand). VCF-style: chr16-23626389-T-C. GRCh37 (hg19) VCF-style: chr16-23637710-T-C.
Other names: c.2595A>G (NM_024675.3).
Identifiers: ClinVar variation 1154549 (VCV001154549.13), dbSNP rs1597085400, ClinGen allele CA494161328.